The following is an entry in ClinVar:

ClinVar aggregate classification (germline): Likely benign. Review status: criteria provided, multiple submitters, no conflicts (2 of 4 stars). 2 submissions from 2 submitters: Likely benign (2). Last evaluated 2026-01-21.

Allele frequency attached by ClinVar (database versions not stated): gnomAD exomes 0.00001; ExAC 0.00002; TOPMed 0.00002; gnomAD 0.00001.

Submissions (2):

Labcorp Genetics (formerly Invitae), Labcorp
Classification: Likely benign. Last evaluated: 2026-01-21. Review status: criteria provided, single submitter. Criteria: Invitae Variant Classification Sherloc (09022015). Collection method: clinical testing. Allele origin: germline.

Laboratory for Molecular Medicine, Mass General Brigham Personalized Medicine
Classification: Likely benign. Last evaluated: 2015-06-18. Review status: criteria provided, single submitter. Criteria: LMM Criteria. Collection method: clinical testing. Allele origin: germline. Observed: 1 variant allele.
Comment: c.6691+6_6691+7insC in intron 31 of MYO15A: This variant is not expected to have clinical significance because it is not located within the splice consensus seq uence. It has been identified in 2/64494 European chromosomes by the Exome Aggre gation Consortium (ExAC).

NM_016239.4(MYO15A):c.6691+6dup

Gene: MYO15A (myosin XVA; plus strand). Cytogenetic location: 17p11.2.
Variant type: Duplication.
Coding change: c.6691+6dup on transcript NM_016239.4 (MANE Select); 6 bases into the intron after coding-DNA position 6691, one base duplicated (C; older notation c.6691+6dupC).
Genome position (GRCh38, 1-based): chr17:18,148,216, C duplicated. VCF-style (leftmost placement, unchanged base first): chr17-18148215-G-GC. GRCh37 (hg19) VCF-style: chr17-18051529-G-GC.
Identifiers: ClinVar variation 227648 (VCV000227648.7), dbSNP rs876657526, ClinGen allele CA8424653.